The following is an entry in ClinVar:

ClinVar aggregate classification (germline): Likely benign. Review status: criteria provided, multiple submitters, no conflicts (2 of 4 stars). 4 submissions from 4 submitters: Likely benign (4). Last evaluated 2025-09-13.

Allele frequency attached by ClinVar (database versions not stated): ESP Exome Variant Server 0.00008; gnomAD 0.00041; 1000 Genomes Project 30x 0.00047; TOPMed 0.00054; 1000 Genomes Project 0.00060.
gnomAD v4.1: 118 of 1,599,780 alleles (0.0074%); highest among the groups gnomAD compares: African/African-American, 0.15%; no homozygotes.

Submissions (4):

Labcorp Genetics (formerly Invitae), Labcorp
Classification: Likely benign. Last evaluated: 2025-09-13. Review status: criteria provided, single submitter. Criteria: Invitae Variant Classification Sherloc (09022015). Collection method: clinical testing. Allele origin: germline.

GeneDx
Classification: Likely benign. Last evaluated: 2021-01-19. Review status: criteria provided, single submitter. Criteria: GeneDx Variant Classification Process June 2021. Collection method: clinical testing. Allele origin: germline. Affected: yes.

Laboratory for Molecular Medicine, Mass General Brigham Personalized Medicine
Classification: Likely benign. Last evaluated: 2012-04-30. Review status: criteria provided, single submitter. Criteria: LMM Criteria. Collection method: clinical testing. Allele origin: germline. Observed: 2 variant alleles.
Comment: Arg767Arg in Exon 08 of TECTA: This variant is not expected to have clinical sig nificance because it does not alter an amino acid residue, is not located within the splice consensus sequence, and has been identified in 1/3738 African Americ an chromosomes from a broad population by the NHLBI Exome Sequencing Project (dbSNP rs140534420).

PreventionGenetics, part of Exact Sciences
Classification: Likely benign. Review status: criteria provided, single submitter. Criteria: ACMG Guidelines, 2015. Collection method: clinical testing. Allele origin: germline.

NM_005422.4(TECTA):c.2299C>A (p.Arg767=)

Genes: TBCEL-TECTA (TBCEL-TECTA readthrough; plus strand), TECTA (tectorin alpha; plus strand). Cytogenetic location: 11q23.3.
Variant type: single nucleotide variant.
Coding change: c.2299C>A on transcript NM_005422.4 (MANE Select); coding-DNA position 2299, C replaced by A.
Protein change: p.Arg767=; no amino-acid change (arginine 767 retained).
Molecular consequence: synonymous variant.
Genome position (GRCh38, 1-based): chr11:121,128,276, C>A. VCF-style: chr11-121128276-C-A. GRCh37 (hg19) VCF-style: chr11-120998985-C-A.
Other names: c.3256C>A, p.Arg1086= (NM_001378761.1).
Identifiers: ClinVar variation 178536 (VCV000178536.11), dbSNP rs140534420, ClinGen allele CA182513.